The following is an entry in ClinVar:

NM_006662.3(SRCAP):c.3395C>T (p.Thr1132Ile)

Gene: SRCAP (Snf2 related CREBBP activator protein; plus strand). Cytogenetic location: 16p11.2.
Variant type: single nucleotide variant.
Coding change: c.3395C>T on transcript NM_006662.3 (MANE Select); coding-DNA position 3395, C replaced by T.
Protein change: p.Thr1132Ile; replaces threonine 1132 with isoleucine.
Molecular consequence: missense variant.
Genome position (GRCh38, 1-based): chr16:30,721,330, C>T. VCF-style: chr16-30721330-C-T. GRCh37 (hg19) VCF-style: chr16-30732651-C-T.
Other names: c.3395C>T (NM_006662.2); short protein forms T1132I.
Identifiers: ClinVar variation 3257073 (VCV003257073.20).

ClinVar aggregate classification (germline): Uncertain significance. Review status: criteria provided, multiple submitters, no conflicts (2 of 4 stars). 3 submissions from 3 submitters: Uncertain significance (3). Last evaluated 2025-11-15.

Conditions:
Inborn genetic diseases. Identifiers: MedGen C0950123, MeSH D030342.

gnomAD v4.1: 92 of 1,614,056 alleles (0.0057%); highest among the groups gnomAD compares: Non-Finnish European, 0.0077%; no homozygotes.

Submissions (3):

Labcorp Genetics (formerly Invitae), Labcorp
Classification: Uncertain significance. Last evaluated: 2025-11-15. Review status: criteria provided, single submitter. Criteria: Invitae Variant Classification Sherloc (09022015). Collection method: clinical testing. Allele origin: germline.
Comment: This sequence change replaces threonine, which is neutral and polar, with isoleucine, which is neutral and non-polar, at codon 1132 of the SRCAP protein (p.Thr1132Ile). This variant is present in population databases (rs773636301, gnomAD 0.008%). This variant has not been reported in the literature in individuals affected with SRCAP-related conditions. ClinVar contains an entry for this variant (Variation ID: 3257073). Invitae Evidence Modeling of protein sequence and biophysical properties (such as structural, functional, and spatial information, amino acid conservation, physicochemical variation, residue mobility, and thermodynamic stability) indicates that this missense variant is not expected to disrupt SRCAP protein function with a negative predictive value of 80%. In summary, the available evidence is currently insufficient to determine the role of this variant in disease. Therefore, it has been classified as a Variant of Uncertain Significance.

Ambry Genetics
Classification: Uncertain significance for Inborn genetic diseases. Last evaluated: 2024-08-05. Review status: criteria provided, single submitter. Criteria: Ambry Variant Classification Scheme 2023. Collection method: clinical testing. Allele origin: germline.

CeGaT Center for Human Genetics Tuebingen
Classification: Uncertain significance. Last evaluated: 2024-07-01. Review status: criteria provided, single submitter. Criteria: CeGaT Center For Human Genetics Tuebingen Variant Classification Criteria Version 2. Collection method: clinical testing. Allele origin: germline. Affected: yes. Observed: 1 variant allele.